The following is an entry in ClinVar:

ClinVar aggregate classification (germline): Pathogenic (1 of 4 stars; one submission).

Conditions:
Nephronophthisis. Also called: Juvenile Nephronophthisis. Identifiers: Orphanet 655, MedGen C0687120, MONDO:0019005, HP:0000090.

Submission:

Labcorp Genetics (formerly Invitae), Labcorp
Classification: Pathogenic for Nephronophthisis. Last evaluated: 2017-11-13. Review status: criteria provided, single submitter. Criteria: Invitae Variant Classification Sherloc (09022015). Collection method: clinical testing. Allele origin: germline.
Comment: This sequence change creates a premature translational stop signal (p.Arg686*) in the INVS gene. It is expected to result in an absent or disrupted protein product. This variant is not present in population databases (ExAC no frequency). This variant has not been reported in the literature in individuals with INVS-related disease. Loss-of-function variants in INVS are known to be pathogenic (PMID: 12872123). For these reasons, this variant has been classified as Pathogenic.

NM_014425.5(INVS):c.2056A>T (p.Arg686Ter)

Gene: INVS (inversin; plus strand). Cytogenetic location: 9q31.1.
Variant type: single nucleotide variant.
Coding change: c.2056A>T on transcript NM_014425.5 (MANE Select); coding-DNA position 2056, A replaced by T.
Protein change: p.Arg686Ter; replaces arginine 686 with a stop codon.
Molecular consequence: nonsense. On other transcripts: non-coding transcript variant (1).
Genome position (GRCh38, 1-based): chr9:100,284,591, A>T. VCF-style: chr9-100284591-A-T. GRCh37 (hg19) VCF-style: chr9-103046873-A-T.
Other names: c.1768A>T, p.Arg590Ter (NM_001318381.2); c.1078A>T, p.Arg360Ter (NM_001318382.2); short protein forms R686*, R360*, R590*.
Identifiers: ClinVar variation 531629 (VCV000531629.1), dbSNP rs150001738, ClinGen allele CA374240778.